The following is an entry in ClinVar:

NM_052947.4(ALPK2):c.1087G>C (p.Glu363Gln)

Genes: ALPK2 (alpha kinase 2; minus strand), LOC114803473 (ALPK2 eExon liver enhancer; plus strand). Cytogenetic location: 18q21.31.
Variant type: single nucleotide variant.
Coding change: c.1087G>C on transcript NM_052947.4 (MANE Select); coding-DNA position 1087, G replaced by C.
Protein change: p.Glu363Gln; replaces glutamic acid 363 with glutamine.
Molecular consequence: missense variant.
Genome position (GRCh38, 1-based): chr18:58,579,689, C>G on the plus strand (G>C on the coding strand, the complement: ALPK2 is on the minus strand). VCF-style: chr18-58579689-C-G. GRCh37 (hg19) VCF-style: chr18-56246921-C-G.
Other names: short protein forms E363Q.
Identifiers: ClinVar variation 3289383 (VCV003289383.1).
Genomic context (GRCh38, chr18:58,579,689, plus strand): 5'-AACCCATTCCACTGAGGAAATGCTCACACCCACCCAGGCAATGCTCACCGAATTCCATCT[C>G]TTCGTCATCGCTTTCTAATAAAAAAACATGCTCAGTCCCCAGCAGGTTCCTTTGCCAAAC-3'
Protein context (NP_443179.3, residues 353-373): HVFLLESDDE[Glu363Gln]MEFGEHCLGG

ClinVar aggregate classification (germline): Uncertain significance (1 of 4 stars; one submission).

gnomAD v4.1: 4 of 1,614,158 alleles (0.00025%); highest among the groups gnomAD compares: Non-Finnish European, 0.00034%; no homozygotes.

Submission:

Ambry Genetics
Classification: Uncertain significance. Last evaluated: 2024-04-01. Review status: criteria provided, single submitter. Criteria: Ambry Variant Classification Scheme 2023. Collection method: clinical testing. Allele origin: germline.
Comment: The p.E363Q variant (also known as c.1087G>C), located in coding exon 3 of the ALPK2 gene, results from a G to C substitution at nucleotide position 1087. The glutamic acid at codon 363 is replaced by glutamine, an amino acid with highly similar properties. This amino acid position is conserved. In addition, this alteration is predicted to be tolerated by in silico analysis. Based on the available evidence, the clinical significance of this alteration remains unclear.